The following is an entry in ClinVar:

NM_139076.3(ABRAXAS1):c.6G>C (p.Glu2Asp)

Genes: ABRAXAS1 (abraxas 1, BRCA1 A complex subunit; minus strand), LOC129992784 (ATAC-STARR-seq lymphoblastoid silent region 15542; plus strand). Cytogenetic location: 4q21.23.
Variant type: single nucleotide variant.
Coding change: c.6G>C on transcript NM_139076.3 (MANE Select); coding-DNA position 6, G replaced by C.
Protein change: p.Glu2Asp; replaces glutamic acid 2 with aspartic acid.
Molecular consequence: missense variant. On other transcripts: 5 prime UTR variant (1).
Genome position (GRCh38, 1-based): chr4:83,485,067, C>G on the plus strand (G>C on the coding strand, the complement: ABRAXAS1 is on the minus strand). VCF-style: chr4-83485067-C-G. GRCh37 (hg19) VCF-style: chr4-84406220-C-G.
Other names: c.-255G>C (NM_001345962.2); short protein forms E2D.
Identifiers: ClinVar variation 1005747 (VCV001005747.11), dbSNP rs550154981, ClinGen allele CA2990699.

ClinVar aggregate classification (germline): Uncertain significance. Review status: criteria provided, multiple submitters, no conflicts (2 of 4 stars). 2 submissions from 2 submitters: Uncertain significance (2). Last evaluated 2025-08-22.

Allele frequency attached by ClinVar (database versions not stated): TOPMed 0.00002.
gnomAD v4.1: 8 of 1,588,040 alleles (0.0005%); highest among the groups gnomAD compares: African/African-American, 0.0056%; no homozygotes.

Submissions (2):

Ambry Genetics
Classification: Uncertain significance. Last evaluated: 2025-08-22. Review status: criteria provided, single submitter. Criteria: Ambry Variant Classification Scheme 2023. Collection method: clinical testing. Allele origin: germline.
Comment: The p.E2D variant (also known as c.6G>C), located in coding exon 1 of the FAM175A gene, results from a G to C substitution at nucleotide position 6. The glutamic acid at codon 2 is replaced by aspartic acid, an amino acid with highly similar properties. This amino acid position is conserved. In addition, this alteration is predicted to be tolerated by in silico analysis. Since supporting evidence is limited at this time, the clinical significance of this alteration remains unclear.

Labcorp Genetics (formerly Invitae), Labcorp
Classification: Uncertain significance. Last evaluated: 2024-04-02. Review status: criteria provided, single submitter. Criteria: Invitae Variant Classification Sherloc (09022015). Collection method: clinical testing. Allele origin: germline.
Comment: This sequence change replaces glutamic acid, which is acidic and polar, with aspartic acid, which is acidic and polar, at codon 2 of the ABRAXAS1 protein (p.Glu2Asp). This variant is present in population databases (rs550154981, gnomAD 0.01%). This variant has not been reported in the literature in individuals affected with ABRAXAS1-related conditions. ClinVar contains an entry for this variant (Variation ID: 1005747). An algorithm developed to predict the effect of missense changes on protein structure and function (PolyPhen-2) suggests that this variant is likely to be disruptive. In summary, the available evidence is currently insufficient to determine the role of this variant in disease. Therefore, it has been classified as a Variant of Uncertain Significance.